The following is an entry in ClinVar:

ClinVar aggregate classification (germline): Uncertain significance. Review status: criteria provided, multiple submitters, no conflicts (2 of 4 stars). 2 submissions from 2 submitters: Uncertain significance (2). Last evaluated 2024-10-11.

Conditions:
Hereditary cancer-predisposing syndrome. Also called: Tumor predisposition; Hereditary Cancer Syndrome; Neoplastic Syndromes, Hereditary; Hereditary neoplastic syndrome. Identifiers: Orphanet 140162, MedGen C0027672, MeSH D009386, MONDO:0015356.
Familial adenomatous polyposis 2. Also called: MYH-associated polyposis; FAP type 2; ADENOMAS, MULTIPLE COLORECTAL, AUTOSOMAL RECESSIVE; MUTYH Polyposis; MUTYH-associated polyposis; MUTYH-related attenuated familial adenomatous polyposis. Identifiers: Orphanet 220460, Orphanet 247798, MedGen C3272841, MONDO:0012041, OMIM 608456.

Submissions (2):

Labcorp Genetics (formerly Invitae), Labcorp
Classification: Uncertain significance for Familial adenomatous polyposis 2. Last evaluated: 2024-10-11. Review status: criteria provided, single submitter. Criteria: Invitae Variant Classification Sherloc (09022015). Collection method: clinical testing. Allele origin: germline.
Comment: This sequence change replaces serine, which is neutral and polar, with asparagine, which is neutral and polar, at codon 102 of the MUTYH protein (p.Ser102Asn). This variant is not present in population databases (gnomAD no frequency). This missense change has been observed in individual(s) with breast cancer (PMID: 26976419). ClinVar contains an entry for this variant (Variation ID: 216519). An algorithm developed to predict the effect of missense changes on protein structure and function outputs the following: PolyPhen-2: "Benign". The asparagine amino acid residue is found in multiple mammalian species, which suggests that this missense change does not adversely affect protein function. In summary, the available evidence is currently insufficient to determine the role of this variant in disease. Therefore, it has been classified as a Variant of Uncertain Significance.

Color Diagnostics, LLC DBA Color Health
Classification: Uncertain significance for Hereditary cancer-predisposing syndrome. Last evaluated: 2019-06-29. Review status: criteria provided, single submitter. Criteria: ACMG Guidelines, 2015. Collection method: clinical testing. Allele origin: germline.

Literature cited by the submitters: PubMed 26976419 (cited by Labcorp Genetics (formerly Invitae), Labcorp).

NM_001048174.2(MUTYH):c.221G>A (p.Ser74Asn)

Gene: MUTYH (mutY DNA glycosylase; minus strand). Cytogenetic location: 1p34.1.
Variant type: single nucleotide variant.
Coding change: c.221G>A on transcript NM_001048174.2 (MANE Select); coding-DNA position 221, G replaced by A.
Protein change: p.Ser74Asn; replaces serine 74 with asparagine.
Molecular consequence: missense variant. On other transcripts: 5 prime UTR variant (4), non-coding transcript variant (2).
Genome position (GRCh38, 1-based): chr1:45,333,456, C>T on the plus strand (G>A on the coding strand, the complement: MUTYH is on the minus strand). VCF-style: chr1-45333456-C-T. GRCh37 (hg19) VCF-style: chr1-45799128-C-T.
Other names: c.221G>A, p.Ser74Asn (NM_001048171.2, NM_001048173.2, NM_001293195.2); c.224G>A, p.Ser75Asn (NM_001048172.2); c.305G>A, p.Ser102Asn (NM_001128425.2); c.266G>A, p.Ser89Asn (NM_001293190.2); c.254G>A, p.Ser85Asn (NM_001293191.2); c.-56G>A (NM_001293192.2, NM_001293196.2); c.-51G>A (NM_001350650.2, NM_001350651.2); c.296G>A, p.Ser99Asn (NM_012222.3); short protein forms S102N, S89N, S99N, S85N, S74N, S75N.
Identifiers: ClinVar variation 216519 (VCV000216519.12), dbSNP rs863224697, ClinGen allele CA338347.